The following is an entry in ClinVar:

ClinVar aggregate classification (germline): Likely pathogenic (1 of 4 stars; one submission).

Conditions:
Nemaline myopathy 2 (NEM2). Also called: Nemaline myopathy 2, autosomal recessive. Identifiers: MedGen C1850569, MONDO:0009725, OMIM 256030.

Submission:

Labcorp Genetics (formerly Invitae), Labcorp
Classification: Likely pathogenic for Nemaline myopathy 2. Last evaluated: 2022-08-03. Review status: criteria provided, single submitter. Criteria: Invitae Variant Classification Sherloc (09022015). Collection method: clinical testing. Allele origin: germline.
Comment: In summary, the currently available evidence indicates that the variant is pathogenic, but additional data are needed to prove that conclusively. Therefore, this variant has been classified as Likely Pathogenic. Algorithms developed to predict the effect of sequence changes on RNA splicing suggest that this variant may disrupt the consensus splice site. This variant has not been reported in the literature in individuals affected with NEB-related conditions. This variant is not present in population databases (gnomAD no frequency). This sequence change affects an acceptor splice site in intron 163 of the NEB gene. It is expected to disrupt RNA splicing. Variants that disrupt the donor or acceptor splice site typically lead to a loss of protein function (PMID: 16199547), and loss-of-function variants in NEB are known to be pathogenic (PMID: 25205138).

Literature cited by the submitters: PubMed 16199547; PubMed 25205138.

NM_001164508.2(NEB):c.23452-1G>C

Genes: NEB (nebulin; minus strand), RIF1 (replication timing regulatory factor 1; plus strand). Cytogenetic location: 2q23.3.
Variant type: single nucleotide variant.
Coding change: c.23452-1G>C on transcript NM_001164508.2 (MANE Select); the canonical splice acceptor site of the intron before coding-DNA position 23452, G replaced by C.
Molecular consequence: splice acceptor variant.
Genome position (GRCh38, 1-based): chr2:151,507,014, C>G on the plus strand (G>C on the coding strand, the complement: NEB is on the minus strand). VCF-style: chr2-151507014-C-G. GRCh37 (hg19) VCF-style: chr2-152363528-C-G.
Other names: c.18349-1G>C (NM_004543.5); c.23452-1G>C (NM_001164507.2); c.23557-1G>C (NM_001271208.2).
Identifiers: ClinVar variation 2021360 (VCV002021360.4), dbSNP rs2552010360, ClinGen allele CA348784898.